The following is an entry in ClinVar:

NM_001430.5(EPAS1):c.1922C>G (p.Pro641Arg)

Gene: EPAS1 (endothelial PAS domain protein 1; plus strand). Cytogenetic location: 2p21.
Variant type: single nucleotide variant.
Coding change: c.1922C>G on transcript NM_001430.5 (MANE Select); coding-DNA position 1922, C replaced by G.
Protein change: p.Pro641Arg; replaces proline 641 with arginine.
Molecular consequence: missense variant.
Genome position (GRCh38, 1-based): chr2:46,380,594, C>G. VCF-style: chr2-46380594-C-G. GRCh37 (hg19) VCF-style: chr2-46607733-C-G.
Other names: short protein forms P641R.
Identifiers: ClinVar variation 1782707 (VCV001782707.2), dbSNP rs2103673465, ClinGen allele CA346705158.

ClinVar aggregate classification (germline): Uncertain significance (1 of 4 stars; one submission).

Conditions:
Inborn genetic diseases. Identifiers: MedGen C0950123, MeSH D030342.

Submission:

Ambry Genetics
Classification: Uncertain significance for Inborn genetic diseases. Last evaluated: 2021-06-13. Review status: criteria provided, single submitter. Criteria: Ambry Variant Classification Scheme 2023. Collection method: clinical testing. Allele origin: germline.
Comment: The p.P641R variant (also known as c.1922C>G), located in coding exon 12 of the EPAS1 gene, results from a C to G substitution at nucleotide position 1922. The proline at codon 641 is replaced by arginine, an amino acid with dissimilar properties. This amino acid position is conserved. In addition, this alteration is predicted to be deleterious by in silico analysis. Since supporting evidence is limited at this time, the clinical significance of this alteration remains unclear.